The following is an entry in ClinVar:

NM_000077.5(CDKN2A):c.457+1_457+10del

Gene: CDKN2A (cyclin dependent kinase inhibitor 2A; minus strand). Cytogenetic location: 9p21.3.
Variant type: Deletion.
Coding change: c.457+1_457+10del on transcript NM_000077.5 (MANE Select); the canonical splice donor site of the intron after coding-DNA position 457 through 10 bases into the intron after coding-DNA position 457, 10 bases deleted (GTGAGGACTG; older notation c.457+1_457+10delGTGAGGACTG).
Molecular consequence: splice donor variant.
Genome position (GRCh38, 1-based): chr9:21,970,892-21,970,901, CAGTCCTCAC deleted on the plus strand (GTGAGGACTG on the coding strand, the reverse complement: CDKN2A is on the minus strand); deleting any 10 consecutive bases within chr9:21,970,892-21,970,902 gives the same sequence; the c. name uses the placement nearest the transcript's 3' end. VCF-style (leftmost placement, unchanged base first): chr9-21970891-TCAGTCCTCAC-T. GRCh37 (hg19) VCF-style: chr9-21970890-TCAGTCCTCAC-T.
Other names: c.457+1_457+10del10 (NM_000077.5, NM_000077.4); c.304+1_304+10del (NM_001363763.2); c.*101+1_*101+10del (NM_058195.4); c.457+1_457+10del (NM_001195132.2); c.*380+1_*380+10del (NM_058197.5).
Identifiers: ClinVar variation 825010 (VCV000825010.21), dbSNP rs1587330284, ClinGen allele CA915947481.
Genomic context (GRCh38, chr9:21,970,891, plus strand): 5'-TGTGCTGGAAAATGAATGCTCTGAGCTTTGGAAGCTCTCAGGGTACAAATTCTCAGATCA[TCAGTCCTCAC>T]CTGAGGGACCTTCCGCGGCATCTATGCGGGCATGGTTACTGCCTCTGGTGCCCCCCGCAG-3'

ClinVar aggregate classification (germline): Pathogenic/Likely pathogenic. Review status: criteria provided, multiple submitters, no conflicts (2 of 4 stars). 5 submissions from 5 submitters: Pathogenic (1); Likely pathogenic (4). Last evaluated 2025-10-09.

Conditions:
Familial melanoma. Also called: Hereditary melanoma; Hereditary cutaneous melanoma. Identifiers: Orphanet 618, MedGen C1512419, MONDO:0018961.
Hereditary cancer-predisposing syndrome. Also called: Tumor predisposition; Neoplastic Syndromes, Hereditary; Hereditary Cancer Syndrome; Hereditary neoplastic syndrome. Identifiers: Orphanet 140162, MedGen C0027672, MeSH D009386, MONDO:0015356.
Melanoma and neural system tumor syndrome. Also called: MELANOMA-ASTROCYTOMA SYNDROME. Identifiers: Orphanet 252206, MedGen C1835042, MONDO:0007967, OMIM 155755.

Submissions (5):

Ambry Genetics
Classification: Likely pathogenic for Hereditary cancer-predisposing syndrome. Last evaluated: 2025-10-09. Review status: criteria provided, single submitter. Criteria: Ambry Variant Classification Scheme 2023. Collection method: clinical testing. Allele origin: germline.
Comment: The c.457+1_457+10del10 intronic variant, located in intron 2 of the CDKN2A gene, results from a deletion of 10 nucleotides at positions c.457+1 to c.457+10. Alterations that disrupt the canonical splice site are expected to cause aberrant splicing, resulting in an abnormal protein or a transcript that is subject to nonsense-mediated mRNA decay. This nucleotide region is well conserved in available vertebrate species. In silico splice site analysis predicts that this alteration may weaken the native splice donor site. RNA studies have demonstrated that this alteration results in abnormal splicing in the set of samples tested (Ambry internal data). This variant is considered to be rare based on population cohorts in the Genome Aggregation Database (gnomAD). Based on the majority of available evidence to date, this variant is likely to be pathogenic.

Labcorp Genetics (formerly Invitae), Labcorp
Classification: Pathogenic for Familial melanoma. Last evaluated: 2025-03-31. Review status: criteria provided, single submitter. Criteria: Invitae Variant Classification Sherloc (09022015). Collection method: clinical testing. Allele origin: germline.
Comment: This sequence change affects a donor splice site in intron 2 of the CDKN2A (p16INK4a) gene. RNA analysis indicates that disruption of this splice site induces altered splicing and may result in an absent or altered protein product. This variant is not present in population databases (gnomAD no frequency). This variant has not been reported in the literature in individuals affected with CDKN2A (p16INK4a)-related conditions. ClinVar contains an entry for this variant (Variation ID: 825010). Variants that disrupt the consensus splice site are a relatively common cause of aberrant splicing (PMID: 17576681, 9536098). Studies have shown that disruption of this splice site results in activation of a cryptic splice site, and produces a non-functional protein and/or introduces a premature termination codon (PMID: 1285398, 14508519). For these reasons, this variant has been classified as Pathogenic.

Women's Health and Genetics/Laboratory Corporation of America, LabCorp
Classification: Likely pathogenic for Familial melanoma. Last evaluated: 2024-03-05. Review status: criteria provided, single submitter. Criteria: LabCorp Variant Classification Summary - May 2015. Collection method: clinical testing. Allele origin: germline.
Comment: Variant summary: CDKN2A c.457+1_457+10del10 is located in a canonical splice-site in the penultimate exon and is predicted to affect mRNA splicing resulting in a significantly altered protein due to either exon skipping, shortening, or inclusion of intronic material. Several computational tools predict a significant impact on normal splicing: Four predict the variant abolishes a 5' splicing donor site. These predictions have yet to be confirmed by functional studies. However, skipping of exon 2 has been observed as a mechanism of disease for at least one CDKN2A variant located in the last nucleotide of exon 2, namely c.457G>T (p.Asp153Tyr) (Variation ID: 216035), supporting the functional relevance of the downstream region for protein function. The variant was absent in 245936 control chromosomes. To our knowledge, no occurrence of c.457+1_457+10del10 in individuals affected with Cutaneous Malignant Melanoma and no experimental evidence demonstrating its impact on protein function have been reported. ClinVar contains an entry for this variant (Variation ID: 825010). Based on the evidence outlined above, the variant was classified as likely pathogenic.

Baylor Genetics
Classification: Likely pathogenic for Melanoma and neural system tumor syndrome. Last evaluated: 2024-01-22. Review status: criteria provided, single submitter. Criteria: ACMG Guidelines, 2015. Collection method: clinical testing. Allele origin: unknown.

GeneDx
Classification: Likely pathogenic. Last evaluated: 2022-09-20. Review status: criteria provided, single submitter. Criteria: GeneDx Variant Classification Process June 2021. Collection method: clinical testing. Allele origin: germline. Affected: yes.
Comment: Canonical splice site variant predicted to result in a null allele in a gene for which loss of function is a known mechanism of disease; Not observed at significant frequency in large population cohorts (gnomAD); Has not been previously published as pathogenic or benign to our knowledge

Literature cited by the submitters: PubMed 17576681 (cited by Labcorp Genetics (formerly Invitae), Labcorp); PubMed 9536098 (cited by Labcorp Genetics (formerly Invitae), Labcorp); PubMed 1285398 (cited by Labcorp Genetics (formerly Invitae), Labcorp); PubMed 14508519 (cited by Labcorp Genetics (formerly Invitae), Labcorp).